The following is an entry in ClinVar:

ClinVar aggregate classification (germline): Uncertain significance. Review status: criteria provided, multiple submitters, no conflicts (2 of 4 stars). 3 submissions from 3 submitters: Uncertain significance (3). Last evaluated 2024-07-21.

Conditions:
Hecht syndrome (DA7). Also called: Dutch-Kentucky syndrome; MOUTH, INABILITY TO OPEN COMPLETELY, AND SHORT FINGER-FLEXOR TENDONS. Identifiers: Orphanet 3377, MedGen C0265226, MONDO:0008016, OMIM 158300. Disease mechanism: gain of function.

Allele frequency attached by ClinVar (database versions not stated): gnomAD exomes 0.00003 and 0.00007; ExAC 0.00007; gnomAD 0.00022 and 0.00026; TOPMed 0.00025; ESP Exome Variant Server 0.00046.
gnomAD v4.1: 77 of 1,613,946 alleles (0.0048%); highest among the groups gnomAD compares: African/African-American, 0.081%; no homozygotes.

Submissions (3):

Ambry Genetics
Classification: Uncertain significance. Last evaluated: 2024-07-21. Review status: criteria provided, single submitter. Criteria: Ambry Variant Classification Scheme 2023. Collection method: clinical testing. Allele origin: germline.

GeneDx
Classification: Uncertain significance. Last evaluated: 2019-04-15. Review status: criteria provided, single submitter. Criteria: GeneDx Variant Classification Process June 2021. Collection method: clinical testing. Allele origin: germline. Affected: yes.
Comment: Has not been previously published as pathogenic or benign to our knowledge; In silico analysis, which includes protein predictors and evolutionary conservation, supports a deleterious effect

Illumina Laboratory Services, Illumina
Classification: Uncertain significance for Hecht syndrome. Last evaluated: 2018-01-13. Review status: criteria provided, single submitter. Criteria: ICSL Variant Classification Criteria 13 December 2019. Collection method: clinical testing. Allele origin: germline.

NM_002472.3(MYH8):c.59G>A (p.Arg20Gln)

Genes: MYHAS (myosin heavy chain gene cluster antisense RNA; plus strand), MYH8 (myosin heavy chain 8; minus strand). Cytogenetic location: 17p13.1.
Variant type: single nucleotide variant.
Coding change: c.59G>A on transcript NM_002472.3 (MANE Select); coding-DNA position 59, G replaced by A.
Protein change: p.Arg20Gln; replaces arginine 20 with glutamine.
Molecular consequence: missense variant.
Genome position (GRCh38, 1-based): chr17:10,420,169, C>T on the plus strand (G>A on the coding strand, the complement: MYH8 is on the minus strand). VCF-style: chr17-10420169-C-T. GRCh37 (hg19) VCF-style: chr17-10323486-C-T.
Other names: short protein forms R20Q.
Identifiers: ClinVar variation 884537 (VCV000884537.8), dbSNP rs201580344, ClinGen allele CA8388474.
Genomic context (GRCh38, chr17:10,420,169, plus strand): 5'-ACAGATGTTTTAGCATCAAACGGCTTGTTTTGGGCCTCAATCCGCTCCTTTTCTGATTTT[C>T]GAAGGTAGGGAGCAGCTTCGCCAAAAACAGCCATCTCAGCGTCTGAGCTCGCACTCATGG-3'
Protein context (NP_002463.2, residues 10-30): AVFGEAAPYL[Arg20Gln]KSEKERIEAQ